The following is an entry in ClinVar:

ClinVar aggregate classification (germline): Pathogenic (1 of 4 stars; one submission).

Conditions:
Marfan syndrome (MFS). Also called: FBN1-Related Marfan Syndrome; MARFAN SYNDROME, TYPE I; Marfan syndrome type 1; Marfan's syndrome; Marfan syndrome, classic. Identifiers: Orphanet 284963, Orphanet 558, MedGen C0024796, MONDO:0007947, OMIM 154700.
Familial thoracic aortic aneurysm and aortic dissection (TAAD). Also called: Thoracic aortic aneurysms and dissections. Identifiers: Orphanet 91387, MedGen C4707243, MONDO:0019625.

Submission:

Labcorp Genetics (formerly Invitae), Labcorp
Classification: Pathogenic for Marfan syndrome; Familial thoracic aortic aneurysm and aortic dissection. Last evaluated: 2025-07-08. Review status: criteria provided, single submitter. Criteria: Invitae Variant Classification Sherloc (09022015). Collection method: clinical testing. Allele origin: germline.
Comment: This sequence change creates a premature translational stop signal (p.Glu1894*) in the FBN1 gene. It is expected to result in an absent or disrupted protein product. Loss-of-function variants in FBN1 are known to be pathogenic (PMID: 17657824, 19293843). This variant is not present in population databases (gnomAD no frequency). This premature translational stop signal has been observed in individual(s) with Marfan syndrome (PMID: 25652356). For these reasons, this variant has been classified as Pathogenic.

Literature cited by the submitters: PubMed 17657824; PubMed 19293843; PubMed 25652356.

NM_000138.5(FBN1):c.5680G>T (p.Glu1894Ter)

Gene: FBN1 (fibrillin 1; minus strand). Cytogenetic location: 15q21.1.
Variant type: single nucleotide variant.
Coding change: c.5680G>T on transcript NM_000138.5 (MANE Select); coding-DNA position 5680, G replaced by T.
Protein change: p.Glu1894Ter; replaces glutamic acid 1894 with a stop codon.
Molecular consequence: nonsense.
Genome position (GRCh38, 1-based): chr15:48,446,814, C>A on the plus strand (G>T on the coding strand, the complement: FBN1 is on the minus strand). VCF-style: chr15-48446814-C-A. GRCh37 (hg19) VCF-style: chr15-48739011-C-A.
Other names: c.5680G>T, p.Glu1894Ter (NM_001406716.1); short protein forms E1894*.
Identifiers: ClinVar variation 4783792 (VCV004783792.1).